The following is an entry in ClinVar:

NM_000466.3(PEX1):c.1639A>G (p.Ile547Val)

Gene: PEX1 (peroxisomal biogenesis factor 1; minus strand). Cytogenetic location: 7q21.2.
Variant type: single nucleotide variant.
Coding change: c.1639A>G on transcript NM_000466.3 (MANE Select); coding-DNA position 1639, A replaced by G.
Protein change: p.Ile547Val; replaces isoleucine 547 with valine.
Molecular consequence: missense variant.
Genome position (GRCh38, 1-based): chr7:92,509,360, T>C on the plus strand (A>G on the coding strand, the complement: PEX1 is on the minus strand). VCF-style: chr7-92509360-T-C. GRCh37 (hg19) VCF-style: chr7-92138674-T-C.
Other names: c.1639A>G (NM_000466.2); c.1639A>G, p.Ile547Val (NM_001282677.2); c.1015A>G, p.Ile339Val (NM_001282678.2); short protein forms I547V, I339V.
Identifiers: ClinVar variation 2155162 (VCV002155162.5), dbSNP rs892831590, ClinGen allele CA161967505.

ClinVar aggregate classification (germline): Uncertain significance. Review status: criteria provided, multiple submitters, no conflicts (2 of 4 stars). 3 submissions from 3 submitters: Uncertain significance (2). 1 of the submissions does not count toward it. Last evaluated 2025-08-20.

Conditions:
Zellweger spectrum disorders (ZS). Also called: Zellweger Spectrum Disorder (ZSD); Zellweger Spectrum Disorder; Zellweger Spectrum; Zellweger syndrome. Identifiers: Orphanet 912, MedGen C0043459, MONDO:0019609.
Inborn genetic diseases. Identifiers: MedGen C0950123, MeSH D030342.
PEX1-related disorder. Also called: PEX1-related condition.

Allele frequency attached by ClinVar (database versions not stated): gnomAD 0.00001; TOPMed 0.00002; gnomAD exomes 0.00003.
gnomAD v4.1: 39 of 1,612,862 alleles (0.0024%); highest among the groups gnomAD compares: Non-Finnish European, 0.0031%; no homozygotes.

Submissions (3):

Ambry Genetics
Classification: Uncertain significance for Inborn genetic diseases. Last evaluated: 2025-08-20. Review status: criteria provided, single submitter. Criteria: Ambry Variant Classification Scheme 2023. Collection method: clinical testing. Allele origin: germline.

Labcorp Genetics (formerly Invitae), Labcorp
Classification: Uncertain significance for Zellweger spectrum disorders. Last evaluated: 2025-03-17. Review status: criteria provided, single submitter. Criteria: Invitae Variant Classification Sherloc (09022015). Collection method: clinical testing. Allele origin: germline.
Comment: This sequence change replaces isoleucine, which is neutral and non-polar, with valine, which is neutral and non-polar, at codon 547 of the PEX1 protein (p.Ile547Val). This variant is present in population databases (no rsID available, gnomAD 0.003%). This variant has not been reported in the literature in individuals affected with PEX1-related conditions. ClinVar contains an entry for this variant (Variation ID: 2155162). Invitae Evidence Modeling of protein sequence and biophysical properties (such as structural, functional, and spatial information, amino acid conservation, physicochemical variation, residue mobility, and thermodynamic stability) indicates that this missense variant is not expected to disrupt PEX1 protein function with a negative predictive value of 95%. In summary, the available evidence is currently insufficient to determine the role of this variant in disease. Therefore, it has been classified as a Variant of Uncertain Significance.

PreventionGenetics, part of Exact Sciences
Classification: Uncertain significance for PEX1-related condition. Last evaluated: 2023-12-04. Review status: no assertion criteria provided. Collection method: clinical testing. Allele origin: germline. Not counted in ClinVar's aggregate classification.
Comment: The PEX1 c.1639A>G variant is predicted to result in the amino acid substitution p.Ile547Val. To our knowledge, this variant has not been reported in the literature. This variant is reported in 0.0029% of alleles in individuals of Latino descent in gnomAD. At this time, the clinical significance of this variant is uncertain due to the absence of conclusive functional and genetic evidence.